The following is an entry in ClinVar:

ClinVar aggregate classification (germline): Conflicting classifications of pathogenicity. Review status: criteria provided, conflicting classifications (1 of 4 stars). 8 submissions from 7 submitters: Uncertain significance (7); Likely benign (1). Last evaluated 2024-04-30.

Conditions:
Schwartz-Jampel syndrome. Also called: Myotonic myopathy dwarfism chondrodystrophy and ocular and facial abnormalities. Identifiers: Orphanet 800, MedGen C0036391, MONDO:0009717.
Lethal Kniest-like syndrome (DDSH). Also called: Dyssegmental Dysplasia. Identifiers: Orphanet 1865, MedGen C1857100, MONDO:0009140, OMIM 224410.
Schwartz-Jampel syndrome type 1 (SJS1). Also called: MYOTONIC MYOPATHY, DWARFISM, CHONDRODYSTROPHY, AND OCULAR AND FACIAL ABNORMALITIES; CHONDRODYSTROPHIC MYOTONIA. Identifiers: MedGen C4551479, MONDO:0100435, OMIM 255800.
Inborn genetic diseases. Identifiers: MedGen C0950123, MeSH D030342.

Allele frequency attached by ClinVar (database versions not stated): ExAC 0.00010; ESP Exome Variant Server 0.00054; TOPMed 0.00065.
gnomAD v4.1: 128 of 1,613,862 alleles (0.0079%); highest among the groups gnomAD compares: African/African-American, 0.14%; no homozygotes.

Submissions (8):

Fulgent Genetics
Classification: Uncertain significance for Lethal Kniest-like syndrome; Schwartz-Jampel syndrome type 1. Last evaluated: 2024-04-30. Review status: criteria provided, single submitter. Criteria: ACMG Guidelines, 2015. Collection method: clinical testing. Allele origin: germline.

Labcorp Genetics (formerly Invitae), Labcorp
Classification: Uncertain significance. Last evaluated: 2022-07-25. Review status: criteria provided, single submitter. Criteria: Invitae Variant Classification Sherloc (09022015). Collection method: clinical testing. Allele origin: germline.
Comment: This sequence change replaces arginine, which is basic and polar, with proline, which is neutral and non-polar, at codon 257 of the HSPG2 protein (p.Arg257Pro). This variant is present in population databases (rs149319607, gnomAD 0.1%). This variant has not been reported in the literature in individuals affected with HSPG2-related conditions. ClinVar contains an entry for this variant (Variation ID: 295907). Algorithms developed to predict the effect of missense changes on protein structure and function (SIFT, PolyPhen-2, Align-GVGD) all suggest that this variant is likely to be tolerated. Algorithms developed to predict the effect of sequence changes on RNA splicing suggest that this variant may create or strengthen a splice site. In summary, the available evidence is currently insufficient to determine the role of this variant in disease. Therefore, it has been classified as a Variant of Uncertain Significance.

Ambry Genetics
Classification: Uncertain significance for Inborn genetic diseases. Last evaluated: 2022-06-29. Review status: criteria provided, single submitter. Criteria: Ambry Variant Classification Scheme 2023. Collection method: clinical testing. Allele origin: germline.

Department of Pathology and Laboratory Medicine, Sinai Health System
Classification: Uncertain significance for Lethal Kniest-like syndrome; Schwartz-Jampel syndrome type 1. Last evaluated: 2022-03-29. Review status: criteria provided, single submitter. Criteria: ACMG Guidelines, 2015. Collection method: research. Allele origin: germline.

Revvity Omics, Revvity
Classification: Uncertain significance. Last evaluated: 2021-11-10. Review status: criteria provided, single submitter. Criteria: ACMG Guidelines, 2015. Collection method: clinical testing. Allele origin: germline.

GeneDx
Classification: Likely benign. Last evaluated: 2019-04-03. Review status: criteria provided, single submitter. Criteria: GeneDx Variant Classification Process June 2021. Collection method: clinical testing. Allele origin: germline. Affected: yes.

Illumina Laboratory Services, Illumina
Classification: Uncertain significance for Lethal Kniest-like syndrome. Last evaluated: 2018-01-13. Review status: criteria provided, single submitter. Criteria: ICSL Variant Classification Criteria 13 December 2019. Collection method: clinical testing. Allele origin: germline.

Illumina Laboratory Services, Illumina
Classification: Uncertain significance for Schwartz-Jampel syndrome type 1. Last evaluated: 2018-01-13. Review status: criteria provided, single submitter. Criteria: ICSL Variant Classification Criteria 13 December 2019. Collection method: clinical testing. Allele origin: germline.

NM_005529.7(HSPG2):c.770G>C (p.Arg257Pro)

Gene: HSPG2 (heparan sulfate proteoglycan 2; minus strand). Cytogenetic location: 1p36.12.
Variant type: single nucleotide variant.
Coding change: c.770G>C on transcript NM_005529.7 (MANE Select); coding-DNA position 770, G replaced by C.
Protein change: p.Arg257Pro; replaces arginine 257 with proline.
Molecular consequence: missense variant.
Genome position (GRCh38, 1-based): chr1:21,887,608, C>G on the plus strand (G>C on the coding strand, the complement: HSPG2 is on the minus strand). VCF-style: chr1-21887608-C-G. GRCh37 (hg19) VCF-style: chr1-22214101-C-G.
Other names: c.770G>C, p.Arg257Pro (NM_001291860.2); short protein forms R257P.
Identifiers: ClinVar variation 295907 (VCV000295907.18), dbSNP rs149319607, ClinGen allele CA673709.